The following is an entry in ClinVar:

NM_004036.5(ADCY3):c.276G>T (p.Val92=)

Gene: ADCY3 (adenylate cyclase 3; minus strand). Cytogenetic location: 2p23.3.
Variant type: single nucleotide variant.
Coding change: c.276G>T on transcript NM_004036.5 (MANE Select); coding-DNA position 276, G replaced by T.
Protein change: p.Val92=; no amino-acid change (valine 92 retained).
Molecular consequence: synonymous variant.
Genome position (GRCh38, 1-based): chr2:24,918,712, C>A on the plus strand (G>T on the coding strand, the complement: ADCY3 is on the minus strand). VCF-style: chr2-24918712-C-A. GRCh37 (hg19) VCF-style: chr2-25141581-C-A.
Other names: c.276G>T, p.Val92= (NM_001320613.2, NM_001377128.1, NM_001377129.1 and 2 more transcripts).
Identifiers: ClinVar variation 4990027 (VCV004990027.1).

ClinVar aggregate classification (germline): Likely benign (1 of 4 stars; one submission).

Conditions:
ADCY3-related disorder. Also called: ADCY3-related condition.

gnomAD v4.1: 18 of 1,613,986 alleles (0.0011%); highest among the groups gnomAD compares: African/African-American, 0.02%; no homozygotes.

Submission:

PreventionGenetics, part of Exact Sciences
Classification: Likely benign for ADCY3-related condition. Last evaluated: 2025-12-10. Review status: criteria provided, single submitter. Criteria: ACMG Guidelines, 2015. Collection method: clinical testing. Allele origin: germline.
Comment: This variant is classified as likely benign based on ACMG/AMP sequence variant interpretation guidelines (Richards et al. 2015 PMID: 25741868, with internal and published modifications).